The following is an entry in ClinVar:

NM_000059.4(BRCA2):c.655del (p.Thr219fs)

Gene: BRCA2 (BRCA2 DNA repair associated; plus strand). Cytogenetic location: 13q13.1.
Variant type: Deletion.
Coding change: c.655del on transcript NM_000059.4 (MANE Select); coding-DNA position 655, one base deleted (A; older notation c.655delA).
Protein change: p.Thr219fs; shifts the reading frame from threonine 219.
Molecular consequence: frameshift variant.
Genome position (GRCh38, 1-based): chr13:32,329,466, A deleted; the last of 3 consecutive A bases (chr13:32,329,464-32,329,466); deleting any one gives the same sequence. VCF-style (leftmost placement, unchanged base first): chr13-32329463-GA-G. GRCh37 (hg19) VCF-style: chr13-32903600-GA-G.
Other names: short protein forms T219fs.
Identifiers: ClinVar variation 1455760 (VCV001455760.6), dbSNP rs2137458263, ClinGen allele CA2573149292.
Genomic context (GRCh38, chr13:32,329,463, plus strand): 5'-TAGTGATAATATACAATACACATAAATTTTTATCTTACAGTCAGAAATGAAGAAGCATCT[GA>G]AACTGTATTTCCTCATGATACTACTGCTGTAAGTAAATATGACATTGATTAGACTGTTGA-3'

ClinVar aggregate classification (germline): Pathogenic (1 of 4 stars; one submission).

Conditions:
Hereditary breast ovarian cancer syndrome. Also called: Hereditary breast and ovarian cancer; Hereditary breast and ovarian cancer syndrome (HBOC); Breast and ovarian cancer; Hereditary breast and ovarian cancer syndrome; Hereditary breast and/or ovarian cancer syndrome; BRCA1- and BRCA2-Associated Hereditary Breast and Ovarian Cancer. Identifiers: Orphanet 145, MedGen C0677776, MeSH D061325, MONDO:0003582. Disease mechanism: loss of function.

Submission:

Labcorp Genetics (formerly Invitae), Labcorp
Classification: Pathogenic for Hereditary breast ovarian cancer syndrome. Last evaluated: 2021-11-22. Review status: criteria provided, single submitter. Criteria: Invitae Variant Classification Sherloc (09022015). Collection method: clinical testing. Allele origin: germline.
Comment: For these reasons, this variant has been classified as Pathogenic. This variant has not been reported in the literature in individuals affected with BRCA2-related conditions. This variant is not present in population databases (gnomAD no frequency). This sequence change creates a premature translational stop signal (p.Thr219Leufs*11) in the BRCA2 gene. It is expected to result in an absent or disrupted protein product. Loss-of-function variants in BRCA2 are known to be pathogenic (PMID: 20104584).

Literature cited by the submitters: PubMed 20104584.